The following is an entry in ClinVar:

ClinVar aggregate classification (germline): Pathogenic. Review status: criteria provided, multiple submitters, no conflicts (2 of 4 stars). 7 submissions from 6 submitters: Pathogenic (7). Last evaluated 2022-12-14.

Conditions:
L1 syndrome. Identifiers: Orphanet 275543, MedGen C5779710, MONDO:0017140.
X-linked hydrocephalus syndrome (HYCX). Also called: AQUEDUCTAL STENOSIS, X-LINKED; X-Linked Hydrocephalus with Stenosis of the Aqueduct of Sylvius; X-linked hydrocephalus; X-Linked Hydrocephalus with Stenosis of the Aqueduct of Sylvius (HSAS); HYDROCEPHALUS, CONGENITAL, X-LINKED. Identifiers: Orphanet 2182, MedGen C0265216, MONDO:0010611, OMIM 307000.
X-linked complicated corpus callosum dysgenesis. Also called: X-Linked Complicated Corpus Callosum Agenesis. Identifiers: Orphanet 1497, MedGen C1839909, MONDO:0010569, OMIM 304100.

Submissions (7):

Women's Health and Genetics/Laboratory Corporation of America, LabCorp
Classification: Pathogenic for L1 syndrome. Last evaluated: 2022-12-14. Review status: criteria provided, single submitter. Criteria: LabCorp Variant Classification Summary - May 2015. Collection method: clinical testing. Allele origin: germline.
Comment: Variant summary: L1CAM c.2278C>T (p.Arg760X) results in a premature termination codon, predicted to cause a truncation of the encoded protein or absence of the protein due to nonsense mediated decay, which are commonly known mechanisms for disease. Truncations downstream of this position have been associated with Hydrocephalus, X-linked in HGMD. The variant was absent in 182879 control chromosomes. c.2278C>T has been reported in the literature as a hemizygous genotype in individuals affected with Hydrocephaly, associated with L1 Syndrome(Example: Ganapathy_2019). To our knowledge, no experimental evidence demonstrating an impact on protein function has been reported. Four clinical diagnostic laboratories have submitted clinical-significance assessments for this variant to ClinVar after 2014 without evidence for independent evaluation. All laboratories classified the variant as pathogenic. Based on the evidence outlined above, the variant was classified as pathogenic.

CeGaT Center for Human Genetics Tuebingen
Classification: Pathogenic. Last evaluated: 2022-07-01. Review status: criteria provided, single submitter. Criteria: CeGaT Center For Human Genetics Tuebingen Variant Classification Criteria Version 2. Collection method: clinical testing. Allele origin: germline. Affected: yes. Observed: 1 variant allele.
Comment: L1CAM: PVS1, PM2

GeneDx
Classification: Pathogenic. Last evaluated: 2021-03-15. Review status: criteria provided, single submitter. Criteria: GeneDx Variant Classification Process June 2021. Collection method: clinical testing. Allele origin: germline. Affected: yes.
Comment: Nonsense variant predicted to result in protein truncation or nonsense mediated decay in a gene for which loss-of-function is a known mechanism of disease; Not observed in large population cohorts (Lek et al., 2016); This variant is associated with the following publications: (PMID: 25525159, 19846429)

Genomic Research Center, Shahid Beheshti University of Medical Sciences
Classification: Pathogenic for Corpus callosum, partial agenesis of, X-linked. Last evaluated: 2018-08-07. Review status: criteria provided, single submitter. Criteria: ACMG Guidelines, 2015. Collection method: clinical testing. Allele origin: inherited. Affected: no. Observed: 1 variant allele.

Genomic Research Center, Shahid Beheshti University of Medical Sciences
Classification: Pathogenic for X-linked hydrocephalus syndrome. Last evaluated: 2018-08-07. Review status: criteria provided, single submitter. Criteria: ACMG Guidelines, 2015. Collection method: clinical testing. Allele origin: inherited. Affected: no. Observed: 1 variant allele.

Genetic Services Laboratory, University of Chicago
Classification: Pathogenic for Hydrocephalus due to aqueductal stenosis. Last evaluated: 2015-06-05. Review status: criteria provided, single submitter. Criteria: ACMG Guidelines, 2015. Collection method: clinical testing. Allele origin: germline. Affected: yes.

Juno Genomics, Hangzhou Juno Genomics, Inc
Classification: Pathogenic for X-linked hydrocephalus syndrome. Review status: criteria provided, single submitter. Criteria: ACMG Guidelines, 2015. Collection method: clinical testing. Allele origin: germline.
Comment: Null variant in a gene where loss of function (LOF) is a known mechanism of disease.;Absent from controls (or at extremely low frequency if recessive) in Genome Aggregation Database.;Patient's phenotype or family history is highly specific for a disease with a single genetic etiology.

Literature cited by the submitters: PubMed 31069529 (cited by Women's Health and Genetics/Laboratory Corporation of America, LabCorp); PubMed 19846429 (cited by Women's Health and Genetics/Laboratory Corporation of America, LabCorp).

NM_001278116.2(L1CAM):c.2278C>T (p.Arg760Ter)

Gene: L1CAM (L1 cell adhesion molecule; minus strand). Cytogenetic location: Xq28.
Variant type: single nucleotide variant.
Coding change: c.2278C>T on transcript NM_001278116.2 (MANE Select); coding-DNA position 2278, C replaced by T.
Protein change: p.Arg760Ter; replaces arginine 760 with a stop codon.
Molecular consequence: nonsense.
Genome position (GRCh38, 1-based): chrX:153,866,802, G>A on the plus strand (C>T on the coding strand, the complement: L1CAM is on the minus strand). VCF-style: chrX-153866802-G-A. GRCh37 (hg19) VCF-style: chrX-153132257-G-A.
Other names: c.2278C>T, p.Arg760Ter (NM_000425.5, NM_024003.3); c.2263C>T, p.Arg755Ter (NM_001143963.2); short protein forms R760*, R755*.
Identifiers: ClinVar variation 211339 (VCV000211339.45), dbSNP rs797045673, ClinGen allele CA207441.